The following is an entry in ClinVar:

ClinVar aggregate classification (germline): Uncertain significance (1 of 4 stars; one submission).

Conditions:
Dilated cardiomyopathy 1JJ (CMD1JJ). Identifiers: Orphanet 154, MedGen C3808935, MONDO:0014095, OMIM 615235.

Submission:

Labcorp Genetics (formerly Invitae), Labcorp
Classification: Uncertain significance for Dilated cardiomyopathy 1JJ. Last evaluated: 2026-01-14. Review status: criteria provided, single submitter. Criteria: Invitae Variant Classification Sherloc (09022015). Collection method: clinical testing. Allele origin: germline.
Comment: This sequence change falls in intron 3 of the LAMA4 gene. It does not directly change the encoded amino acid sequence of the LAMA4 protein. It affects a nucleotide within the consensus splice site. This variant is not present in population databases (gnomAD no frequency). This variant has not been reported in the literature in individuals affected with LAMA4-related conditions. Variants that disrupt the consensus splice site are a relatively common cause of aberrant splicing (PMID: 17576681, 9536098). Algorithms developed to predict the effect of sequence changes on RNA splicing suggest that this variant is not likely to affect RNA splicing. In summary, the available evidence is currently insufficient to determine the role of this variant in disease. Therefore, it has been classified as a Variant of Uncertain Significance.

Literature cited by the submitters: PubMed 17576681; PubMed 9536098.

NM_001105206.3(LAMA4):c.297+4A>G

Gene: LAMA4 (laminin subunit alpha 4; minus strand). Cytogenetic location: 6q21.
Variant type: single nucleotide variant.
Coding change: c.297+4A>G on transcript NM_001105206.3 (MANE Select); 4 bases into the intron after coding-DNA position 297, A replaced by G.
Molecular consequence: intron variant.
Genome position (GRCh38, 1-based): chr6:112,216,364, T>C on the plus strand (A>G on the coding strand, the complement: LAMA4 is on the minus strand). VCF-style: chr6-112216364-T-C. GRCh37 (hg19) VCF-style: chr6-112537565-T-C.
Other names: c.297+4A>G (NM_002290.5, NM_001105207.3).
Identifiers: ClinVar variation 4806008 (VCV004806008.1).
Genomic context (GRCh38, chr6:112,216,364, plus strand): 5'-TATCTTCACCCAAGATGCAAATGCCCAGTGAAGTACGTGAAGTGTTATAGGTGCCCCAAC[T>C]TACCACACAGTATCCTGAGCCGTCCAAACACTCGTTGGAATTGCCATTACAGTCGCAGGG-3'